The following is an entry in ClinVar:

NM_001999.4(FBN2):c.3847+1G>T

Gene: FBN2 (fibrillin 2; minus strand). Cytogenetic location: 5q23.3.
Variant type: single nucleotide variant.
Coding change: c.3847+1G>T on transcript NM_001999.4 (MANE Select); the canonical splice donor site of the intron after coding-DNA position 3847, G replaced by T.
Molecular consequence: splice donor variant.
Genome position (GRCh38, 1-based): chr5:128,335,454, C>A on the plus strand (G>T on the coding strand, the complement: FBN2 is on the minus strand). VCF-style: chr5-128335454-C-A. GRCh37 (hg19) VCF-style: chr5-127671146-C-A.
Identifiers: ClinVar variation 213403 (VCV000213403.2), dbSNP rs863223604, ClinGen allele CA321134.

ClinVar aggregate classification (germline): Likely pathogenic (1 of 4 stars; one submission).

Submission:

GeneDx
Classification: Likely pathogenic. Last evaluated: 2017-04-28. Review status: criteria provided, single submitter. Criteria: GeneDx Variant Classification (06012015). Collection method: clinical testing. Allele origin: germline. Affected: yes.
Comment: The c.3847+1G>T variant in the FBN2 gene has not been reported previously as a pathogenic variant nor as a benign variant, to our knowledge. This splice site variant destroys the canonical splice donor site in intron 29, which is predicted to cause abnormal gene splicing. However, in the absence of RNA/functional studies, the actual effect of this sequence change in this individual is unknown. The c.3847+1G>T variant is not observed in large population cohorts (Lek et al., 2016; 1000 Genomes Consortium et al., 2015; Exome Variant Server). We interpret c.3847+1G>T as a likely pathogenic variant.